The following is an entry in ClinVar:

ClinVar aggregate classification (germline): Uncertain significance. Review status: criteria provided, multiple submitters, no conflicts (2 of 4 stars). 2 submissions from 2 submitters: Uncertain significance (2). Last evaluated 2022-07-26.

Conditions:
Familial infantile myasthenia (CMS6). Also called: Congenital myasthenic syndrome type 6; MYASTHENIC SYNDROME, PRESYNAPTIC, CONGENITAL, ASSOCIATED WITH EPISODIC APNEA; MYASTHENIC SYNDROME, CONGENITAL, 6, PRESYNAPTIC. Identifiers: Orphanet 590, MedGen C0393929, MONDO:0009689, OMIM 254210.

Allele frequency attached by ClinVar (database versions not stated): gnomAD exomes 0.00001 and 0.00003; gnomAD 0.00002 and 0.00003; ExAC 0.00004; 1000 Genomes Project 30x 0.00016; 1000 Genomes Project 0.00020.
gnomAD v4.1: 26 of 1,614,234 alleles (0.0016%); highest among the groups gnomAD compares: Admixed American, 0.0033%; no homozygotes.

Submissions (2):

Labcorp Genetics (formerly Invitae), Labcorp
Classification: Uncertain significance for Familial infantile myasthenia. Last evaluated: 2022-07-26. Review status: criteria provided, single submitter. Criteria: Invitae Variant Classification Sherloc (09022015). Collection method: clinical testing. Allele origin: germline.
Comment: This sequence change replaces valine, which is neutral and non-polar, with methionine, which is neutral and non-polar, at codon 396 of the CHAT protein (p.Val396Met). This variant is present in population databases (rs536359684, gnomAD 0.005%). This variant has not been reported in the literature in individuals affected with CHAT-related conditions. ClinVar contains an entry for this variant (Variation ID: 1064329). Advanced modeling of protein sequence and biophysical properties (such as structural, functional, and spatial information, amino acid conservation, physicochemical variation, residue mobility, and thermodynamic stability) performed at Invitae indicates that this missense variant is not expected to disrupt CHAT protein function. In summary, the available evidence is currently insufficient to determine the role of this variant in disease. Therefore, it has been classified as a Variant of Uncertain Significance.

Revvity Omics, Revvity
Classification: Uncertain significance for Familial infantile myasthenia. Last evaluated: 2019-02-26. Review status: criteria provided, single submitter. Criteria: ACMG Guidelines, 2015. Collection method: clinical testing. Allele origin: germline.

NM_020549.5(CHAT):c.1186G>A (p.Val396Met)

Gene: CHAT (choline O-acetyltransferase; plus strand). Cytogenetic location: 10q11.23.
Variant type: single nucleotide variant.
Coding change: c.1186G>A on transcript NM_020549.5 (MANE Select); coding-DNA position 1186, G replaced by A.
Protein change: p.Val396Met; replaces valine 396 with methionine.
Molecular consequence: missense variant.
Genome position (GRCh38, 1-based): chr10:49,646,579, G>A. VCF-style: chr10-49646579-G-A. GRCh37 (hg19) VCF-style: chr10-50854625-G-A.
Other names: c.1186G>A (NM_020549.4); c.832G>A, p.Val278Met (NM_001142929.2, NM_001142934.2, NM_020984.4 and 2 more transcripts); c.940G>A, p.Val314Met (NM_001142933.2); short protein forms V278M, V314M, V396M.
Identifiers: ClinVar variation 1064329 (VCV001064329.8), dbSNP rs536359684, ClinGen allele CA5497408.